The following is an entry in ClinVar:

ClinVar aggregate classification (germline): Likely pathogenic (1 of 4 stars; one submission).

Submission:

Medical Genetic Center, Changzhi Maternal and Child Health Care Hospital
Classification: Likely pathogenic. Last evaluated: 2025-12-10. Review status: criteria provided, single submitter. Criteria: ACMG/ClinGen CNV Guidelines, 2019. Collection method: clinical testing. Allele origin: unknown.
Comment: 1q21.1 recurrent region (distal, BP3-BP4) (includes GJA5) (TS=2)

GRCh38/hg38 1q21.1-21.2(chr1:147106063-147921222)x3

Genes: ACP6 (acid phosphatase 6, lysophosphatidic; minus strand), BCL9 (BCL9 transcription coactivator; plus strand), CHD1L (chromodomain helicase DNA binding protein 1 like; plus strand), FMO5 (flavin containing dimethylaniline monoxygenase 5; minus strand), GJA5 (gap junction protein alpha 5; minus strand) and 21 more. Cytogenetic location: 1q21.1-21.2.
Variant type: copy number gain.
Change: copy number 3 (three copies instead of two) of chr1:147,106,063-147,921,222 (815.2 kb, GRCh38 coordinates, 1-based), cytogenetic band 1q21.1-21.2.
Identifiers: ClinVar variation 4796110 (VCV004796110.1).